The following is an entry in ClinVar:

ClinVar aggregate classification (germline): Uncertain significance (1 of 4 stars; one submission).

Submission:

GeneDx
Classification: Uncertain significance. Last evaluated: 2025-07-11. Review status: criteria provided, single submitter. Criteria: GeneDx Variant Classification Process June 2021. Collection method: clinical testing. Allele origin: germline. Affected: yes.
Comment: Not observed at significant frequency in large population cohorts (gnomAD); In silico analysis supports that this missense variant has a deleterious effect on protein structure/function; Has not been previously published as pathogenic or benign to our knowledge

NM_006946.4(SPTBN2):c.2162G>T (p.Arg721Leu)

Gene: SPTBN2 (spectrin beta, non-erythrocytic 2; minus strand). Cytogenetic location: 11q13.2.
Variant type: single nucleotide variant.
Coding change: c.2162G>T on transcript NM_006946.4 (MANE Select); coding-DNA position 2162, G replaced by T.
Protein change: p.Arg721Leu; replaces arginine 721 with leucine.
Molecular consequence: missense variant.
Genome position (GRCh38, 1-based): chr11:66,705,114, C>A on the plus strand (G>T on the coding strand, the complement: SPTBN2 is on the minus strand). VCF-style: chr11-66705114-C-A. GRCh37 (hg19) VCF-style: chr11-66472585-C-A.
Other names: c.2183G>T, p.Arg728Leu (NM_001411025.1); c.2162G>T, p.Arg721Leu (NM_001437541.1); short protein forms R721L, R728L.
Identifiers: ClinVar variation 4685342 (VCV004685342.1).